The following is an entry in ClinVar:

ClinVar aggregate classification (germline): Pathogenic. Review status: criteria provided, multiple submitters, no conflicts (2 of 4 stars). 2 submissions from 2 submitters: Pathogenic (2). Last evaluated 2025-03-13.

Conditions:
Hereditary cancer-predisposing syndrome. Also called: Tumor predisposition; Neoplastic Syndromes, Hereditary; Hereditary Cancer Syndrome; Hereditary neoplastic syndrome. Identifiers: Orphanet 140162, MedGen C0027672, MeSH D009386, MONDO:0015356.
Familial adenomatous polyposis 1 (FAP1). Also called: POLYPOSIS, ADENOMATOUS INTESTINAL; FAMILIAL ADENOMATOUS POLYPOSIS 1, ATTENUATED. Identifiers: MedGen C2713442, MONDO:0021056, OMIM 175100. Disease mechanism: loss of function.

Submissions (2):

Ambry Genetics
Classification: Pathogenic for Hereditary cancer-predisposing syndrome. Last evaluated: 2025-03-13. Review status: criteria provided, single submitter. Criteria: Ambry Variant Classification Scheme 2023. Collection method: clinical testing. Allele origin: germline.
Comment: The c.1255delA pathogenic mutation, located in coding exon 9 of the APC gene, results from a deletion of one nucleotide at nucleotide position 1255, causing a translational frameshift with a predicted alternate stop codon (p.T419Pfs*35). This alteration has been observed in at least one individual with a personal and/or family history that is consistent with familial adenomatous polyposis (Ambry internal data). This alteration is expected to result in loss of function by premature protein truncation or nonsense-mediated mRNA decay. As such, this alteration is interpreted as a disease-causing mutation.

Labcorp Genetics (formerly Invitae), Labcorp
Classification: Pathogenic for Familial adenomatous polyposis 1. Last evaluated: 2021-11-25. Review status: criteria provided, single submitter. Criteria: Invitae Variant Classification Sherloc (09022015). Collection method: clinical testing. Allele origin: germline.
Comment: For these reasons, this variant has been classified as Pathogenic. This variant has not been reported in the literature in individuals affected with APC-related conditions. This variant is not present in population databases (gnomAD no frequency). This sequence change creates a premature translational stop signal (p.Thr419Profs*35) in the APC gene. It is expected to result in an absent or disrupted protein product. Loss-of-function variants in APC are known to be pathogenic (PMID: 17963004, 20685668).

Literature cited by the submitters: PubMed 17963004 (cited by Labcorp Genetics (formerly Invitae), Labcorp); PubMed 20685668 (cited by Labcorp Genetics (formerly Invitae), Labcorp).

NM_000038.6(APC):c.1255del (p.Thr419fs)

Gene: APC (APC regulator of Wnt signaling pathway; plus strand). Cytogenetic location: 5q22.2.
Variant type: Deletion.
Coding change: c.1255del on transcript NM_000038.6 (MANE Select); coding-DNA position 1255, one base deleted (A; older notation c.1255delA).
Protein change: p.Thr419fs; shifts the reading frame from threonine 419.
Molecular consequence: frameshift variant.
Genome position (GRCh38, 1-based): chr5:112,819,287, A deleted; the last of 3 consecutive A bases (chr5:112,819,285-112,819,287); deleting any one gives the same sequence. VCF-style (leftmost placement, unchanged base first): chr5-112819284-GA-G. GRCh37 (hg19) VCF-style: chr5-112154981-GA-G.
Other names: c.1255del, p.Thr419fs (NM_001127510.3, NM_001354895.2, NM_001354896.2); c.1201del, p.Thr401fs (NM_001127511.3); c.1285del, p.Thr429fs (NM_001354897.2); c.1180del, p.Thr394fs (NM_001354898.2); c.1171del, p.Thr391fs (NM_001354899.2); c.1078del, p.Thr360fs (NM_001354900.2, NM_001354901.2); c.982del, p.Thr328fs (NM_001354902.2); c.952del, p.Thr318fs (NM_001354903.2); and 3 more; short protein forms T136fs, T293fs, T394fs, T318fs, T360fs, T391fs, T429fs, T401fs.
Identifiers: ClinVar variation 1455746 (VCV001455746.9), dbSNP rs2149783277, ClinGen allele CA2573138825.